The following is an entry in ClinVar:

ClinVar aggregate classification (germline): Uncertain significance (1 of 4 stars; one submission).

gnomAD v4.1: 1 of 1,613,942 alleles (0.000062%); highest among the groups gnomAD compares: Admixed American, 0.0017%; no homozygotes.

Submission:

GeneDx
Classification: Uncertain significance. Last evaluated: 2024-11-07. Review status: criteria provided, single submitter. Criteria: GeneDx Variant Classification Process June 2021. Collection method: clinical testing. Allele origin: germline. Affected: yes.
Comment: Not observed at significant frequency in large population cohorts (gnomAD); Has not been previously published as pathogenic or benign to our knowledge; In silico analysis suggests this variant may impact gene splicing. In the absence of RNA/functional studies, the actual effect of this sequence change is unknown.

NM_144672.4(OTOA):c.1284C>G (p.Val428=)

Gene: OTOA (otoancorin). Cytogenetic location: 16p12.2.
Variant type: single nucleotide variant.
Coding change: c.1284C>G on transcript NM_144672.4 (MANE Select); coding-DNA position 1284, C replaced by G.
Protein change: p.Val428=; no amino-acid change (valine 428 retained).
Molecular consequence: synonymous variant.
Genome position (GRCh38, 1-based): chr16:21,710,067, C>G. VCF-style: chr16-21710067-C-G. GRCh37 (hg19) VCF-style: chr16-21721388-C-G.
Other names: c.1047C>G, p.Val349= (NM_001161683.2); c.312C>G, p.Val104= (NM_170664.3).
Identifiers: ClinVar variation 3898938 (VCV003898938.1).